The following is an entry in ClinVar:

NM_133259.4(LRPPRC):c.2211-80A>G

Gene: LRPPRC (leucine rich pentatricopeptide repeat containing; minus strand). Cytogenetic location: 2p21.
Variant type: single nucleotide variant.
Coding change: c.2211-80A>G on transcript NM_133259.4 (MANE Select); 80 bases into the intron before coding-DNA position 2211, A replaced by G.
Molecular consequence: intron variant.
Genome position (GRCh38, 1-based): chr2:43,945,497, T>C on the plus strand (A>G on the coding strand, the complement: LRPPRC is on the minus strand). VCF-style: chr2-43945497-T-C. GRCh37 (hg19) VCF-style: chr2-44172636-T-C.
Identifiers: ClinVar variation 676275 (VCV000676275.2), dbSNP rs13022151, ClinGen allele CA11225725.
Genomic context (GRCh38, chr2:43,945,497, plus strand): 5'-TTATATTGTTTTAAAAGTCAATTAACTGCTAAAAGAACAGCAACATCCATTTAATCACTT[T>C]TCAAAAGCTCATCAGAAGACCTGAACTAATGTTGGCCTCTACGCTTCAGTTAGGATTTCT-3'

ClinVar aggregate classification (germline): Benign. Review status: criteria provided, multiple submitters, no conflicts (2 of 4 stars). 2 submissions from 2 submitters: Benign (2). Last evaluated 2018-06-16.

Allele frequency attached by ClinVar (database versions not stated): gnomAD exomes 0.06933; gnomAD 0.09266 and 0.09311; TOPMed 0.09673; 1000 Genomes Project 0.10383; 1000 Genomes Project 30x 0.10790.
gnomAD v4.1: 62,653 of 847,686 alleles (7.4%); highest among the groups gnomAD compares: African/African-American, 16%; 2,875 homozygotes.

Submissions (2):

GeneDx
Classification: Benign. Last evaluated: 2018-06-16. Review status: criteria provided, single submitter. Criteria: GeneDx Variant Classification (06012015). Collection method: clinical testing. Allele origin: germline. Affected: yes.
Comment: This variant is considered likely benign or benign based on one or more of the following criteria: it is a conservative change, it occurs at a poorly conserved position in the protein, it is predicted to be benign by multiple in silico algorithms, and/or has population frequency not consistent with disease.

Breakthrough Genomics
Classification: Benign. Review status: criteria provided, single submitter. Criteria: ACMG Guidelines, 2015. Collection method: not provided. Allele origin: germline. Inheritance: Autosomal recessive inheritance. Affected: yes.